The following is an entry in ClinVar:

NM_001329.4(CTBP2):c.58+12448G>A

Gene: CTBP2 (C-terminal binding protein 2; minus strand). Cytogenetic location: 10q26.13.
Variant type: single nucleotide variant.
Coding change: c.58+12448G>A on transcript NM_001329.4 (MANE Select); 12448 bases into the intron after coding-DNA position 58, G replaced by A.
Molecular consequence: intron variant. On other transcripts: missense variant (1).
Genome position (GRCh38, 1-based): chr10:125,026,549, C>T on the plus strand (G>A on the coding strand, the complement: CTBP2 is on the minus strand). VCF-style: chr10-125026549-C-T. GRCh37 (hg19) VCF-style: chr10-126715118-C-T.
Other names: c.1211G>A, p.Arg404His (NM_022802.3); c.58+12448G>A (NM_001083914.3, NM_001290214.3, NM_001321012.2 and 3 more transcripts); short protein forms R404H.
Identifiers: ClinVar variation 3044663 (VCV003044663.2), dbSNP rs185994757, ClinGen allele CA5736276.

ClinVar aggregate classification (germline): Likely benign (0 of 4 stars; one submission).

Conditions:
CTBP2-related disorder. Also called: CTBP2-related condition.

Allele frequency attached by ClinVar (database versions not stated): 1000 Genomes Project 0.00120; 1000 Genomes Project 30x 0.00141; TOPMed 0.00198; gnomAD 0.00216; ESP Exome Variant Server 0.00227; ExAC 0.00333.
gnomAD v4.1: 4,665 of 1,564,170 alleles (0.3%); highest among the groups gnomAD compares: Non-Finnish European, 0.37%; 8 homozygotes.

Submission:

PreventionGenetics, part of Exact Sciences
Classification: Likely benign for CTBP2-related condition. Last evaluated: 2022-04-11. Review status: no assertion criteria provided. Collection method: clinical testing. Allele origin: germline.
Comment: This variant is classified as likely benign based on ACMG/AMP sequence variant interpretation guidelines (Richards et al. 2015 PMID: 25741868, with internal and published modifications).